The following is an entry in ClinVar:

NM_014264.5(PLK4):c.2108T>C (p.Ile703Thr)

Gene: PLK4 (polo like kinase 4; plus strand). Cytogenetic location: 4q28.1.
Variant type: single nucleotide variant.
Coding change: c.2108T>C on transcript NM_014264.5 (MANE Select); coding-DNA position 2108, T replaced by C.
Protein change: p.Ile703Thr; replaces isoleucine 703 with threonine.
Molecular consequence: missense variant.
Genome position (GRCh38, 1-based): chr4:127,892,434, T>C. VCF-style: chr4-127892434-T-C. GRCh37 (hg19) VCF-style: chr4-128813589-T-C.
Other names: c.2012T>C, p.Ile671Thr (NM_001190799.2); c.1985T>C, p.Ile662Thr (NM_001190801.2); c.2108T>C (NM_014264.4); short protein forms I662T, I671T, I703T.
Identifiers: ClinVar variation 1007921 (VCV001007921.5), dbSNP rs967796334, ClinGen allele CA105640787.

ClinVar aggregate classification (germline): Uncertain significance. Review status: criteria provided, multiple submitters, no conflicts (2 of 4 stars). 2 submissions from 2 submitters: Uncertain significance (2). Last evaluated 2024-11-23.

Conditions:
Inborn genetic diseases. Identifiers: MedGen C0950123, MeSH D030342.

Allele frequency attached by ClinVar (database versions not stated): gnomAD exomes below 0.00001 and 0.00001; gnomAD 0.00001; TOPMed 0.00002.
gnomAD v4.1: 8 of 1,588,386 alleles (0.0005%); highest among the groups gnomAD compares: Non-Finnish European, 0.00068%; no homozygotes.

Submissions (2):

Ambry Genetics
Classification: Uncertain significance for Inborn genetic diseases. Last evaluated: 2024-11-23. Review status: criteria provided, single submitter. Criteria: Ambry Variant Classification Scheme 2023. Collection method: clinical testing. Allele origin: germline.

Labcorp Genetics (formerly Invitae), Labcorp
Classification: Uncertain significance. Last evaluated: 2024-10-07. Review status: criteria provided, single submitter. Criteria: Invitae Variant Classification Sherloc (09022015). Collection method: clinical testing. Allele origin: germline.
Comment: This sequence change replaces isoleucine, which is neutral and non-polar, with threonine, which is neutral and polar, at codon 703 of the PLK4 protein (p.Ile703Thr). This variant is present in population databases (no rsID available, gnomAD 0.001%). This variant has not been reported in the literature in individuals affected with PLK4-related conditions. ClinVar contains an entry for this variant (Variation ID: 1007921). An algorithm developed to predict the effect of missense changes on protein structure and function (PolyPhen-2) suggests that this variant is likely to be disruptive. In summary, the available evidence is currently insufficient to determine the role of this variant in disease. Therefore, it has been classified as a Variant of Uncertain Significance.